The following is an entry in ClinVar:

NM_017617.5(NOTCH1):c.7376A>G (p.Gln2459Arg)

Gene: NOTCH1 (notch receptor 1; minus strand). Cytogenetic location: 9q34.3.
Variant type: single nucleotide variant.
Coding change: c.7376A>G on transcript NM_017617.5 (MANE Select); coding-DNA position 7376, A replaced by G.
Protein change: p.Gln2459Arg; replaces glutamine 2459 with arginine.
Molecular consequence: missense variant.
Genome position (GRCh38, 1-based): chr9:136,496,363, T>C on the plus strand (A>G on the coding strand, the complement: NOTCH1 is on the minus strand). VCF-style: chr9-136496363-T-C. GRCh37 (hg19) VCF-style: chr9-139390815-T-C.
Other names: short protein forms Q2459R.
Identifiers: ClinVar variation 3764607 (VCV003764607.1).

ClinVar aggregate classification (germline): Uncertain significance (1 of 4 stars; one submission).

Conditions:
NOTCH1-related disorder. Also called: NOTCH1-related condition; NOTCH1-related disorders.

gnomAD v4.1: 5 of 1,593,682 alleles (0.00031%); highest among the groups gnomAD compares: Non-Finnish European, 0.00026%; no homozygotes.

Submission:

Daryl Scott Lab, Baylor College of Medicine
Classification: Uncertain significance for NOTCH1-related disorder. Last evaluated: 2024-01-01. Review status: criteria provided, single submitter. Criteria: ACMG Guidelines, 2015. Collection method: clinical testing. Allele origin: de novo. Observed: 1 heterozygote.
Comment: PS2, PM2, PP3